The following is an entry in ClinVar:

ClinVar aggregate classification (germline): Pathogenic/Likely pathogenic. Review status: criteria provided, multiple submitters, no conflicts (2 of 4 stars). 3 submissions from 3 submitters: Pathogenic (2); Likely pathogenic (1). Last evaluated 2026-03-10.

Conditions:
Bardet-Biedl syndrome 14 (BBS14). Identifiers: Orphanet 110, MedGen C2673874, MONDO:0014442, OMIM 615991.
CEP290-related ciliopathy. Also called: CEP290 ciliopathy. Identifiers: MedGen CN305601, MONDO:0100451.
Meckel-Gruber syndrome. Also called: Dysencephalia splachnocystica; DYSENCEPHALIA SPLANCHNOCYSTICA; GRUBER SYNDROME. Identifiers: Orphanet 564, MedGen C0265215, MONDO:0018921.
Nephronophthisis. Also called: Juvenile Nephronophthisis. Identifiers: Orphanet 655, MedGen C0687120, MONDO:0019005, HP:0000090.
Joubert syndrome. Also called: Familial aplasia of the vermis; JOUBERT-BOLTSHAUSER SYNDROME. Identifiers: Orphanet 475, MedGen C5979921, MONDO:0018772.

Submissions (3):

Myriad Genetics, Inc.
Classification: Pathogenic for CEP290-related ciliopathy. Last evaluated: 2026-03-10. Review status: criteria provided, single submitter. Criteria: Myriad Autosomal Dominant, Autosomal Recessive and X-Linked Classification Criteria (2023). Collection method: clinical testing. Allele origin: unknown.
Comment: NM_025114.3(CEP290):c.3745_3748delCTCT(L1249Ifs*41) is expected to be pathogenic in the context of CEP290-related disorders. This variant is predicted to lead to an abnormal or absent protein product due to the creation of a premature termination codon in CEP290, a gene where loss-of-function variants are known to be pathogenic. Please note: this variant was assessed in the context of healthy population screening.

Baylor Genetics
Classification: Likely pathogenic for Bardet-Biedl syndrome 14. Last evaluated: 2022-12-22. Review status: criteria provided, single submitter. Criteria: ACMG Guidelines, 2015. Collection method: clinical testing. Allele origin: unknown.

Labcorp Genetics (formerly Invitae), Labcorp
Classification: Pathogenic for Joubert syndrome; Meckel-Gruber syndrome; Nephronophthisis. Last evaluated: 2022-01-11. Review status: criteria provided, single submitter. Criteria: Invitae Variant Classification Sherloc (09022015). Collection method: clinical testing. Allele origin: germline.
Comment: For these reasons, this variant has been classified as Pathogenic. This variant has not been reported in the literature in individuals affected with CEP290-related conditions. This variant is not present in population databases (gnomAD no frequency). This sequence change creates a premature translational stop signal (p.Leu1249Ilefs*41) in the CEP290 gene. It is expected to result in an absent or disrupted protein product. Loss-of-function variants in CEP290 are known to be pathogenic (PMID: 16909394, 17345604, 20690115).

Literature cited by the submitters: PubMed 16909394 (cited by Labcorp Genetics (formerly Invitae), Labcorp); PubMed 17345604 (cited by Labcorp Genetics (formerly Invitae), Labcorp); PubMed 20690115 (cited by Labcorp Genetics (formerly Invitae), Labcorp).

NM_025114.4(CEP290):c.3745_3748del (p.Leu1249fs)

Gene: CEP290 (centrosomal protein 290; minus strand). Cytogenetic location: 12q21.32.
Variant type: Microsatellite.
Coding change: c.3745_3748del on transcript NM_025114.4 (MANE Select); coding-DNA positions 3745 to 3748, 4 bases deleted (CTCT; older notation c.3745_3748delCTCT).
Protein change: p.Leu1249fs; shifts the reading frame from leucine 1249.
Molecular consequence: frameshift variant.
Genome position (GRCh38, 1-based): chr12:88,089,313-88,089,316, AGAG deleted on the plus strand (CTCT on the coding strand, the reverse complement: CEP290 is on the minus strand); deleting any 4 consecutive bases within chr12:88,089,313-88,089,318 gives the same sequence; the c. name uses the placement nearest the transcript's 3' end. VCF-style (leftmost placement, unchanged base first): chr12-88089312-TAGAG-T. GRCh37 (hg19) VCF-style: chr12-88483089-TAGAG-T.
Other names: short protein forms L1249fs.
Identifiers: ClinVar variation 1369524 (VCV001369524.8), dbSNP rs2137276301, ClinGen allele CA2580616847.
Genomic context (GRCh38, chr12:88,089,312, plus strand): 5'-AGAGACTGAATTGTTTGGCGCAGATGTTTTGCTCTGTTTCTTCCCTCCAAACGAGCATAA[TAGAG>T]AGCCTGTTCTTTTTCATCAAGTTTCTGCTCTAAGCGCAAGTTGTAGGCCTCCATCTTCTG-3'